The following is an entry in ClinVar:

ClinVar aggregate classification (germline): Uncertain significance (1 of 4 stars; one submission).

Submission:

Ambry Genetics
Classification: Uncertain significance. Last evaluated: 2025-03-15. Review status: criteria provided, single submitter. Criteria: Ambry Variant Classification Scheme 2023. Collection method: clinical testing. Allele origin: germline.
Comment: The p.I316T variant (also known as c.947T>C), located in coding exon 7 of the GEN1 gene, results from a T to C substitution at nucleotide position 947. The isoleucine at codon 316 is replaced by threonine, an amino acid with similar properties. This amino acid position is conserved. In addition, this alteration is predicted to be tolerated by in silico analysis. Based on the available evidence, the clinical significance of this variant remains unclear.

NM_001130009.3(GEN1):c.947T>C (p.Ile316Thr)

Gene: GEN1 (GEN1 Holliday junction 5' flap endonuclease; plus strand). Cytogenetic location: 2p24.2.
Variant type: single nucleotide variant.
Coding change: c.947T>C on transcript NM_001130009.3 (MANE Select); coding-DNA position 947, T replaced by C.
Protein change: p.Ile316Thr; replaces isoleucine 316 with threonine.
Molecular consequence: missense variant.
Genome position (GRCh38, 1-based): chr2:17,772,778, T>C. VCF-style: chr2-17772778-T-C. GRCh37 (hg19) VCF-style: chr2-17954045-T-C.
Other names: c.947T>C, p.Ile316Thr (NM_182625.5); short protein forms I316T.
Identifiers: ClinVar variation 4029141 (VCV004029141.1).
Genomic context (GRCh38, chr2:17,772,778, plus strand): 5'-GTCCTTGTGAGTGGCACCGTACAGAACATGATAGGCAACTCAGTGAAGTAGAGAACAATA[T>C]TAAGAAGTAAGTTTTTTTAAAAACTCATGATTTTTCCTGGCATGACCTATACACATACCT-3'
Protein context (NP_001123481.3, residues 306-326): DRQLSEVENN[Ile316Thr]KKKACCCEGF